The following is an entry in ClinVar:

NM_000540.3(RYR1):c.8810T>A (p.Val2937Asp)

Gene: RYR1 (ryanodine receptor 1; plus strand). Cytogenetic location: 19q13.2.
Variant type: single nucleotide variant.
Coding change: c.8810T>A on transcript NM_000540.3 (MANE Select); coding-DNA position 8810, T replaced by A.
Protein change: p.Val2937Asp; replaces valine 2937 with aspartic acid.
Molecular consequence: missense variant.
Genome position (GRCh38, 1-based): chr19:38,506,946, T>A. VCF-style: chr19-38506946-T-A. GRCh37 (hg19) VCF-style: chr19-38997586-T-A.
Other names: c.8810T>A, p.Val2937Asp (NM_001042723.2); short protein forms V2937D.
Identifiers: ClinVar variation 4709135 (VCV004709135.1).
Genomic context (GRCh38, chr19:38,506,946, plus strand): 5'-CACGAGATCGAGAGAAGGCCCAGGAGCTACTGAAATTCCTGCAGATGAATGGCTACGCGG[T>A]TACAAGGCACGCGGGTTGGGGCTCCCGCGGAAGAGCAGCAGGCAGAACACACCCGGCAAA-3'
Protein context (NP_000531.2, residues 2927-2947): LKFLQMNGYA[Val2937Asp]TRGLKDMELD

ClinVar aggregate classification (germline): Uncertain significance (1 of 4 stars; one submission).

Conditions:
RYR1-related disorder. Also called: RYR1-related condition; RYR1-related disorders. Identifiers: MedGen CN239331.

gnomAD v4.1: 1 of 1,611,950 alleles (0.000062%); highest among the groups gnomAD compares: Non-Finnish European, 0.000085%; no homozygotes.

Submission:

Labcorp Genetics (formerly Invitae), Labcorp
Classification: Uncertain significance for RYR1-related disorder. Last evaluated: 2026-01-27. Review status: criteria provided, single submitter. Criteria: Invitae Variant Classification Sherloc (09022015). Collection method: clinical testing. Allele origin: germline.
Comment: This sequence change replaces valine, which is neutral and non-polar, with aspartic acid, which is acidic and polar, at codon 2937 of the RYR1 protein (p.Val2937Asp). This variant is not present in population databases (gnomAD no frequency). This variant has not been reported in the literature in individuals affected with RYR1-related conditions. Invitae Evidence Modeling of protein sequence and biophysical properties (such as structural, functional, and spatial information, amino acid conservation, physicochemical variation, residue mobility, and thermodynamic stability) has been performed for this missense variant. However, the output from this modeling did not meet the statistical confidence thresholds required to predict the impact of this variant on RYR1 protein function. In summary, the available evidence is currently insufficient to determine the role of this variant in disease. Therefore, it has been classified as a Variant of Uncertain Significance.